The following is an entry in ClinVar:

ClinVar aggregate classification (germline): Conflicting classifications of pathogenicity. Review status: criteria provided, conflicting classifications (1 of 4 stars). 4 submissions from 4 submitters: Uncertain significance (2); Benign (1); Likely benign (1). Last evaluated 2025-12-21.

Conditions:
Fanconi anemia (FA). Also called: Fanconi's anemia. Identifiers: Orphanet 84, MedGen C0015625, MeSH D005199, MONDO:0019391.
Hereditary cancer-predisposing syndrome. Also called: Neoplastic Syndromes, Hereditary; Hereditary Cancer Syndrome; Tumor predisposition; Hereditary neoplastic syndrome. Identifiers: Orphanet 140162, MedGen C0027672, MeSH D009386, MONDO:0015356.
Fanconi anemia complementation group C (FANCC). Also called: Fanconi anemia, group C; FANCC-Related Fanconi Anemia; FANCONI PANCYTOPENIA, TYPE 3; FACC. Identifiers: Orphanet 84, MedGen C3468041, MONDO:0009213, OMIM 227645.

Allele frequency attached by ClinVar (database versions not stated): gnomAD exomes 0.00004 and 0.00005; TOPMed 0.00006; ExAC 0.00007; ESP Exome Variant Server 0.00008; gnomAD 0.00008 and 0.00009.
gnomAD v4.1: 67 of 1,613,578 alleles (0.0042%); highest among the groups gnomAD compares: African/African-American, 0.013%; no homozygotes.

Submissions (4):

Labcorp Genetics (formerly Invitae), Labcorp
Classification: Likely benign for Fanconi anemia. Last evaluated: 2025-12-21. Review status: criteria provided, single submitter. Criteria: Invitae Variant Classification Sherloc (09022015). Collection method: clinical testing. Allele origin: germline.

Ambry Genetics
Classification: Uncertain significance for Hereditary cancer-predisposing syndrome. Last evaluated: 2024-07-16. Review status: criteria provided, single submitter. Criteria: Ambry Variant Classification Scheme 2023. Collection method: clinical testing. Allele origin: germline.
Comment: The c.1073-5C>T intronic variant results from a C to T substitution 5 nucleotides upstream from coding exon 11 in the FANCC gene. This nucleotide position is not well conserved in available vertebrate species. In silico splice site analysis predicts that this alteration will not have any significant effect on splicing; however, direct evidence is insufficient at this time (Ambry internal data). Based on the available evidence, the clinical significance of this variant remains unclear.

Illumina Laboratory Services, Illumina
Classification: Uncertain significance for Fanconi anemia complementation group C. Last evaluated: 2018-01-12. Review status: criteria provided, single submitter. Criteria: ICSL Variant Classification Criteria 13 December 2019. Collection method: clinical testing. Allele origin: germline.

GeneDx
Classification: Benign. Last evaluated: 2014-05-05. Review status: criteria provided, single submitter. Criteria: GeneDx Variant Classification (06012015). Collection method: clinical testing. Allele origin: germline. Affected: yes.
Comment: This variant is considered likely benign or benign based on one or more of the following criteria: it is a conservative change, it occurs at a poorly conserved position in the protein, it is predicted to be benign by multiple in silico algorithms, and/or has population frequency not consistent with disease.

NM_000136.3(FANCC):c.1073-5C>T

Genes: AOPEP (aminopeptidase O (putative); plus strand), FANCC (FA complementation group C; minus strand). Cytogenetic location: 9q22.32.
Variant type: single nucleotide variant.
Coding change: c.1073-5C>T on transcript NM_000136.3 (MANE Select); 5 bases into the intron before coding-DNA position 1073, C replaced by T.
Molecular consequence: intron variant.
Genome position (GRCh38, 1-based): chr9:95,114,715, G>A on the plus strand (C>T on the coding strand, the complement: FANCC is on the minus strand). VCF-style: chr9-95114715-G-A. GRCh37 (hg19) VCF-style: chr9-97876997-G-A.
Other names: c.1073-5C>T (NM_001243743.2, NM_001243744.2).
Identifiers: ClinVar variation 137280 (VCV000137280.20), dbSNP rs375613884, ClinGen allele CA290822.
Genomic context (GRCh38, chr9:95,114,715, plus strand): 5'-TCTGAGCAGTTCAGAAATATGCTTCAGTGTCTGGAGCCAGTGTCCCCGAGGGATATCTGC[G>A]GGTGGAGAGAGATACGTCAGAGGGCAACTGAGGAAATGTCAAGCCCATGAGGAACCACCT-3'